The following is an entry in ClinVar:

ClinVar aggregate classification (germline): Uncertain significance (1 of 4 stars; one submission).

Conditions:
Hereditary cancer-predisposing syndrome. Also called: Neoplastic Syndromes, Hereditary; Tumor predisposition; Hereditary neoplastic syndrome; Hereditary Cancer Syndrome. Identifiers: Orphanet 140162, MedGen C0027672, MeSH D009386, MONDO:0015356.
Cardiovascular phenotype. Identifiers: MedGen CN230736.

Submission:

Ambry Genetics
Classification: Uncertain significance for Cardiovascular phenotype; Hereditary cancer-predisposing syndrome. Last evaluated: 2023-12-18. Review status: criteria provided, single submitter. Criteria: Ambry Variant Classification Scheme 2023. Collection method: clinical testing. Allele origin: germline.
Comment: The p.H540P variant (also known as c.1619A>C), located in coding exon 15 of the LZTR1 gene, results from an A to C substitution at nucleotide position 1619. The histidine at codon 540 is replaced by proline, an amino acid with similar properties. This amino acid position is conserved. In addition, the in silico prediction for this alteration is inconclusive. Since supporting evidence is limited at this time, the clinical significance of this alteration remains unclear.

NM_006767.4(LZTR1):c.1619A>C (p.His540Pro)

Gene: LZTR1 (leucine zipper like post translational regulator 1; plus strand). Cytogenetic location: 22q11.21.
Variant type: single nucleotide variant.
Coding change: c.1619A>C on transcript NM_006767.4 (MANE Select); coding-DNA position 1619, A replaced by C.
Protein change: p.His540Pro; replaces histidine 540 with proline.
Molecular consequence: missense variant.
Genome position (GRCh38, 1-based): chr22:20,994,561, A>C. VCF-style: chr22-20994561-A-C. GRCh37 (hg19) VCF-style: chr22-21348850-A-C.
Other names: short protein forms H540P.
Identifiers: ClinVar variation 3238114 (VCV003238114.1), dbSNP rs2518621630.